The following is an entry in ClinVar:

NM_000018.4(ACADVL):c.1837C>G (p.Arg613Gly)

Gene: ACADVL (acyl-CoA dehydrogenase very long chain; plus strand). Cytogenetic location: 17p13.1.
Variant type: single nucleotide variant.
Coding change: c.1837C>G on transcript NM_000018.4 (MANE Select); coding-DNA position 1837, C replaced by G.
Protein change: p.Arg613Gly; replaces arginine 613 with glycine.
Molecular consequence: missense variant.
Genome position (GRCh38, 1-based): chr17:7,224,966, C>G. VCF-style: chr17-7224966-C-G. GRCh37 (hg19) VCF-style: chr17-7128285-C-G.
Other names: c.1771C>G, p.Arg591Gly (NM_001033859.3); c.1906C>G, p.Arg636Gly (NM_001270447.2); c.1609C>G, p.Arg537Gly (NM_001270448.2); short protein forms R537G, R591G, R613G, R636G.
Identifiers: ClinVar variation 3693288 (VCV003693288.3).

ClinVar aggregate classification (germline): Conflicting classifications of pathogenicity. Review status: criteria provided, conflicting classifications (1 of 4 stars). 2 submissions from 2 submitters: Likely pathogenic (1); Uncertain significance (1). Last evaluated 2024-06-30.

Conditions:
Very long chain acyl-CoA dehydrogenase deficiency (ACADVLD). Also called: Very Long-Chain Acyl-Coenzyme A Dehydrogenase Deficiency; VLCAD Deficiency. Identifiers: Orphanet 26793, MedGen C3887523, MONDO:0008723, OMIM 201475.

Submissions (2):

Labcorp Genetics (formerly Invitae), Labcorp
Classification: Likely pathogenic for Very long chain acyl-CoA dehydrogenase deficiency. Last evaluated: 2024-06-30. Review status: criteria provided, single submitter. Criteria: Invitae Variant Classification Sherloc (09022015). Collection method: clinical testing. Allele origin: germline.
Comment: This sequence change replaces arginine, which is basic and polar, with glycine, which is neutral and non-polar, at codon 613 of the ACADVL protein (p.Arg613Gly). This variant is not present in population databases (gnomAD no frequency). This variant has not been reported in the literature in individuals affected with ACADVL-related conditions. Advanced modeling of protein sequence and biophysical properties (such as structural, functional, and spatial information, amino acid conservation, physicochemical variation, residue mobility, and thermodynamic stability) performed at Invitae indicates that this missense variant is expected to disrupt ACADVL protein function with a positive predictive value of 95%. This variant disrupts the p.Arg613 amino acid residue in ACADVL. Other variant(s) that disrupt this residue have been determined to be pathogenic (PMID: 7479827, 8554073, 10077518, 17999356, 19327992). This suggests that this residue is clinically significant, and that variants that disrupt this residue are likely to be disease-causing. In summary, the currently available evidence indicates that the variant is pathogenic, but additional data are needed to prove that conclusively. Therefore, this variant has been classified as Likely Pathogenic.

Revvity Omics, Revvity
Classification: Uncertain significance for Very long chain acyl-CoA dehydrogenase deficiency. Last evaluated: 2024-05-28. Review status: criteria provided, single submitter. Criteria: ACMG Guidelines, 2015. Collection method: clinical testing. Allele origin: germline.

Literature cited by the submitters: PubMed 7479827 (cited by Labcorp Genetics (formerly Invitae), Labcorp); PubMed 8554073 (cited by Labcorp Genetics (formerly Invitae), Labcorp); PubMed 10077518 (cited by Labcorp Genetics (formerly Invitae), Labcorp); PubMed 17999356 (cited by Labcorp Genetics (formerly Invitae), Labcorp); PubMed 19327992 (cited by Labcorp Genetics (formerly Invitae), Labcorp).